The following is an entry in ClinVar:

ClinVar aggregate classification (germline): Likely benign (1 of 4 stars; one submission).

Conditions:
ITGA8-related disorder. Also called: ITGA8-related condition.

gnomAD v4.1: 9 of 1,613,952 alleles (0.00056%); highest among the groups gnomAD compares: Non-Finnish European, 0.00068%; no homozygotes.

Submission:

PreventionGenetics, part of Exact Sciences
Classification: Likely benign for ITGA8-related condition. Last evaluated: 2025-01-06. Review status: criteria provided, single submitter. Criteria: ACMG Guidelines, 2015. Collection method: clinical testing. Allele origin: germline.
Comment: This variant is classified as likely benign based on ACMG/AMP sequence variant interpretation guidelines (Richards et al. 2015 PMID: 25741868, with internal and published modifications).

NM_003638.3(ITGA8):c.2754T>G (p.Pro918=)

Gene: ITGA8 (integrin subunit alpha 8; minus strand). Cytogenetic location: 10p13.
Variant type: single nucleotide variant.
Coding change: c.2754T>G on transcript NM_003638.3 (MANE Select); coding-DNA position 2754, T replaced by G.
Protein change: p.Pro918=; no amino-acid change (proline 918 retained).
Molecular consequence: synonymous variant.
Genome position (GRCh38, 1-based): chr10:15,558,086, A>C on the plus strand (T>G on the coding strand, the complement: ITGA8 is on the minus strand). VCF-style: chr10-15558086-A-C. GRCh37 (hg19) VCF-style: chr10-15600085-A-C.
Other names: c.2709T>G, p.Pro903= (NM_001291494.2).
Identifiers: ClinVar variation 4977172 (VCV004977172.1).